The following is an entry in ClinVar:

NC_000019.9:g.(?_10469831)_(10469998_?)del

Gene: TYK2 (tyrosine kinase 2; minus strand). Cytogenetic location: 19p13.2.
Variant type: Deletion.
Identifiers: ClinVar variation 3248457 (VCV003248457.1).

ClinVar aggregate classification (germline): Pathogenic (1 of 4 stars; one submission).

Conditions:
Immunodeficiency 35 (IMD35). Also called: Susceptibility to infection due to TYK2 deficiency; HIES WITH ATYPICAL MYCOBACTERIOSIS, AUTOSOMAL RECESSIVE; HYPER-IgE SYNDROME WITH ATYPICAL MYCOBACTERIOSIS, AUTOSOMAL RECESSIVE; TYK2 DEFICIENCY. Identifiers: Orphanet 331226, MedGen C1969086, MONDO:0012682, OMIM 611521.

Submission:

Labcorp Genetics (formerly Invitae), Labcorp
Classification: Pathogenic for Immunodeficiency 35. Last evaluated: 2023-09-14. Review status: criteria provided, single submitter. Criteria: Invitae Variant Classification Sherloc (09022015). Collection method: clinical testing. Allele origin: unknown.
Comment: This variant is a gross deletion of the genomic region encompassing exon(s) 15 of the TYK2 gene. This deletion is out-of-frame, and is expected to create a premature termination codon and result in an absent or disrupted protein product. Loss-of-function variants in TYK2 are known to be pathogenic (PMID: 22402565, 26304966). This variant has not been reported in the literature in individuals affected with TYK2-related conditions. For these reasons, this variant has been classified as Pathogenic.

Literature cited by the submitters: PubMed 22402565; PubMed 26304966.